The following is an entry in ClinVar:

ClinVar aggregate classification (germline): Likely benign. Review status: criteria provided, multiple submitters, no conflicts (2 of 4 stars). 4 submissions from 4 submitters: Likely benign (4). Last evaluated 2026-09-06.

Conditions:
Aortic aneurysm, familial thoracic 6 (AAT6). Also called: FAMILIAL THORACIC AORTIC ANEURYSM WITH LIVEDO RETICULARIS AND IRIS FLOCCULI. Identifiers: MedGen C2673186, MONDO:0012730, OMIM 611788.
Familial thoracic aortic aneurysm and aortic dissection (TAAD). Also called: Thoracic aortic aneurysms and dissections. Identifiers: Orphanet 91387, MedGen C4707243, MONDO:0019625.

Allele frequency attached by ClinVar (database versions not stated): gnomAD exomes 0.00001; TOPMed 0.00003; gnomAD 0.00004; ESP Exome Variant Server 0.00008.
gnomAD v4.1: 9 of 1,613,806 alleles (0.00056%); highest among the groups gnomAD compares: African/African-American, 0.012%; no homozygotes.

Submissions (4):

Ambry Genetics
Classification: Likely benign for Familial thoracic aortic aneurysm and aortic dissection. Last evaluated: 2026-09-06. Review status: criteria provided, single submitter. Criteria: Ambry Variant Classification Scheme 2023. Collection method: clinical testing. Allele origin: germline.

Labcorp Genetics (formerly Invitae), Labcorp
Classification: Likely benign for Aortic aneurysm, familial thoracic 6. Last evaluated: 2026-02-02. Review status: criteria provided, single submitter. Criteria: Invitae Variant Classification Sherloc (09022015). Collection method: clinical testing. Allele origin: germline.

All of Us Research Program, National Institutes of Health
Classification: Likely benign for Familial thoracic aortic aneurysm and aortic dissection. Last evaluated: 2024-07-29. Review status: criteria provided, single submitter. Criteria: ACMG Guidelines, 2015. Collection method: clinical testing. Allele origin: germline. Inheritance: Autosomal dominant inheritance. Observed: 3 variant alleles, 3 heterozygotes.
Comment: This study involves interpretation of variants in research participants for the purpose of population health screening. Participant phenotype was not available at the time of variant classification. Additional details can be found in publication PMID: 35346344, PMCID: PMC8962531

Color Diagnostics, LLC DBA Color Health
Classification: Likely benign for Familial thoracic aortic aneurysm and aortic dissection. Last evaluated: 2022-04-28. Review status: criteria provided, single submitter. Criteria: ACMG Guidelines, 2015. Collection method: clinical testing. Allele origin: germline.

NM_001613.4(ACTA2):c.108T>A (p.Ile36=)

Gene: ACTA2 (actin alpha 2, smooth muscle; minus strand). Cytogenetic location: 10q23.31.
Variant type: single nucleotide variant.
Coding change: c.108T>A on transcript NM_001613.4 (MANE Select); coding-DNA position 108, T replaced by A.
Protein change: p.Ile36=; no amino-acid change (isoleucine 36 retained).
Molecular consequence: synonymous variant.
Genome position (GRCh38, 1-based): chr10:88,948,823, A>T on the plus strand (T>A on the coding strand, the complement: ACTA2 is on the minus strand). VCF-style: chr10-88948823-A-T. GRCh37 (hg19) VCF-style: chr10-90708580-A-T.
Other names: c.108T>A, p.Ile36= (NM_001141945.3, NM_001320855.2, NM_001406462.1 and 7 more transcripts).
Identifiers: ClinVar variation 2899248 (VCV002899248.7), dbSNP rs138562012, ClinGen allele CA211328433.